The following is an entry in ClinVar:

ClinVar aggregate classification (germline): Pathogenic/Likely pathogenic. Review status: criteria provided, multiple submitters, no conflicts (2 of 4 stars). 2 submissions from 2 submitters: Pathogenic (1); Likely pathogenic (1). Last evaluated 2022-04-13.

Conditions:
Multiple acyl-CoA dehydrogenase deficiency (MADD). Also called: ETHYLMALONIC-ADIPICACIDURIA; GA II; Glutaric Acidemia type 2; Glutaric aciduria, type 2; Glutaric acidemia type II; GA 2. Identifiers: Orphanet 26791, MedGen C0268596, MONDO:0009282, OMIM 231680.

Submissions (2):

Baylor Genetics
Classification: Pathogenic for Multiple acyl-CoA dehydrogenase deficiency. Last evaluated: 2022-04-13. Review status: criteria provided, single submitter. Criteria: ACMG Guidelines, 2015. Collection method: clinical testing. Allele origin: unknown.

Labcorp Genetics (formerly Invitae), Labcorp
Classification: Likely pathogenic for Multiple acyl-CoA dehydrogenase deficiency. Last evaluated: 2021-12-22. Review status: criteria provided, single submitter. Criteria: Invitae Variant Classification Sherloc (09022015). Collection method: clinical testing. Allele origin: germline.
Comment: In summary, the currently available evidence indicates that the variant is pathogenic, but additional data are needed to prove that conclusively. Therefore, this variant has been classified as Likely Pathogenic. Algorithms developed to predict the effect of sequence changes on RNA splicing suggest that this variant may disrupt the consensus splice site. Disruption of this splice site has been observed in individual(s) with glutaric acidemia type 2 (PMID: 28083701). This variant is not present in population databases (gnomAD no frequency). This sequence change affects an acceptor splice site in intron 9 of the ETFDH gene. It is expected to disrupt RNA splicing. Variants that disrupt the donor or acceptor splice site typically lead to a loss of protein function (PMID: 16199547), and loss-of-function variants in ETFDH are known to be pathogenic (PMID: 16510302, 23785301).

Literature cited by the submitters: PubMed 28083701 (cited by Labcorp Genetics (formerly Invitae), Labcorp); PubMed 16199547 (cited by Labcorp Genetics (formerly Invitae), Labcorp); PubMed 16510302 (cited by Labcorp Genetics (formerly Invitae), Labcorp); PubMed 23785301 (cited by Labcorp Genetics (formerly Invitae), Labcorp).

NM_004453.4(ETFDH):c.1117-2A>G

Gene: ETFDH (electron transfer flavoprotein dehydrogenase; plus strand). Cytogenetic location: 4q32.1.
Variant type: single nucleotide variant.
Coding change: c.1117-2A>G on transcript NM_004453.4 (MANE Select); the canonical splice acceptor site of the intron before coding-DNA position 1117, A replaced by G.
Molecular consequence: splice acceptor variant.
Genome position (GRCh38, 1-based): chr4:158,703,421, A>G. VCF-style: chr4-158703421-A-G. GRCh37 (hg19) VCF-style: chr4-159624573-A-G.
Other names: c.976-2A>G (NM_001281737.2); c.934-2A>G (NM_001281738.1).
Identifiers: ClinVar variation 2151993 (VCV002151993.5), dbSNP rs764060500, ClinGen allele CA108817210.